The following is an entry in ClinVar:

NM_000535.7(PMS2):c.223G>T (p.Val75Leu)

Gene: PMS2 (PMS1 homolog 2, mismatch repair system component; minus strand). Cytogenetic location: 7p22.1.
Variant type: single nucleotide variant.
Coding change: c.223G>T on transcript NM_000535.7 (MANE Select); coding-DNA position 223, G replaced by T.
Protein change: p.Val75Leu; replaces valine 75 with leucine.
Molecular consequence: missense variant. On other transcripts: 5 prime UTR variant (37), non-coding transcript variant (1), intron variant (1).
Genome position (GRCh38, 1-based): chr7:6,003,999, C>A on the plus strand (G>T on the coding strand, the complement: PMS2 is on the minus strand). VCF-style: chr7-6003999-C-A. GRCh37 (hg19) VCF-style: chr7-6043630-C-A.
Other names: c.-183G>T (NM_001018040.1, NM_001322003.2, NM_001322004.2 and 14 more transcripts); c.223G>T, p.Val75Leu (NM_001322006.2, NM_001406874.1, NM_001406884.1 and 10 more transcripts); c.8G>T, p.Gly3Val (NM_001322007.2, NM_001322008.2, NM_001406876.1 and 4 more transcripts); c.-662G>T (NM_001322011.2, NM_001322012.2); c.-262G>T (NM_001406875.1, NM_001406877.1, NM_001406878.1 and 3 more transcripts); c.-209G>T (NM_001406880.1); c.-159G>T (NM_001406881.1, NM_001406900.1); c.-130G>T (NM_001406888.1, NM_001406889.1, NM_001406892.1 and 6 more transcripts); and 3 more; short protein forms G3V, V75L, V137L.
Identifiers: ClinVar variation 2848056 (VCV002848056.4), dbSNP rs1554304971, ClinGen allele CA366744810.

ClinVar aggregate classification (germline): Uncertain significance. Review status: criteria provided, multiple submitters, no conflicts (2 of 4 stars). 2 submissions from 2 submitters: Uncertain significance (2). Last evaluated 2026-07-02.

Conditions:
Hereditary cancer-predisposing syndrome. Also called: Hereditary Cancer Syndrome; Hereditary neoplastic syndrome; Neoplastic Syndromes, Hereditary; Tumor predisposition. Identifiers: Orphanet 140162, MedGen C0027672, MeSH D009386, MONDO:0015356.
Hereditary nonpolyposis colorectal neoplasms. Identifiers: MedGen C0009405, MeSH D003123.

Allele frequency attached by ClinVar (database versions not stated): gnomAD exomes below 0.00001.
gnomAD v4.1: 1 of 1,603,962 alleles (0.000062%); highest among the groups gnomAD compares: Non-Finnish European, 0.000085%; no homozygotes.

Submissions (2):

Ambry Genetics
Classification: Uncertain significance for Hereditary cancer-predisposing syndrome. Last evaluated: 2026-07-02. Review status: criteria provided, single submitter. Criteria: Ambry Variant Classification Scheme 2023. Collection method: clinical testing. Allele origin: germline.
Comment: The p.V75L variant (also known as c.223G>T), located in coding exon 3 of the PMS2 gene, results from a G to T substitution at nucleotide position 223. The valine at codon 75 is replaced by leucine, an amino acid with highly similar properties. This amino acid position is conserved. In addition, the in silico prediction for this alteration is inconclusive. Based on the available evidence, the clinical significance of this variant remains unclear.

Labcorp Genetics (formerly Invitae), Labcorp
Classification: Uncertain significance for Hereditary nonpolyposis colorectal neoplasms. Last evaluated: 2023-06-27. Review status: criteria provided, single submitter. Criteria: Invitae Variant Classification Sherloc (09022015). Collection method: clinical testing. Allele origin: germline.
Comment: In summary, the available evidence is currently insufficient to determine the role of this variant in disease. Therefore, it has been classified as a Variant of Uncertain Significance. Advanced modeling of protein sequence and biophysical properties (such as structural, functional, and spatial information, amino acid conservation, physicochemical variation, residue mobility, and thermodynamic stability) performed at Invitae indicates that this missense variant is expected to disrupt PMS2 protein function. This variant has not been reported in the literature in individuals affected with PMS2-related conditions. This variant is not present in population databases (gnomAD no frequency). This sequence change replaces valine, which is neutral and non-polar, with leucine, which is neutral and non-polar, at codon 75 of the PMS2 protein (p.Val75Leu).